The following is an entry in ClinVar:

ClinVar aggregate classification (germline): Conflicting classifications of pathogenicity. Review status: criteria provided, conflicting classifications (1 of 4 stars). 3 submissions from 3 submitters: Uncertain significance (2); Likely benign (1). Last evaluated 2025-06-24.

Conditions:
Duchenne muscular dystrophy (DMD). Also called: MUSCULAR DYSTROPHY, PSEUDOHYPERTROPHIC PROGRESSIVE, DUCHENNE TYPE; Duchenne Muscular Dystrophy (DMD). Identifiers: Orphanet 98896, MedGen C0013264, MONDO:0010679, OMIM 310200.
Cardiovascular phenotype. Identifiers: MedGen CN230736.

Submissions (3):

Labcorp Genetics (formerly Invitae), Labcorp
Classification: Uncertain significance for Duchenne muscular dystrophy. Last evaluated: 2025-06-24. Review status: criteria provided, single submitter. Criteria: Invitae Variant Classification Sherloc (09022015). Collection method: clinical testing. Allele origin: germline.
Comment: This sequence change replaces aspartic acid, which is acidic and polar, with glycine, which is neutral and non-polar, at codon 971 of the DMD protein (p.Asp971Gly). This variant is not present in population databases (gnomAD no frequency). This variant has not been reported in the literature in individuals affected with DMD-related conditions. ClinVar contains an entry for this variant (Variation ID: 3223649). Invitae Evidence Modeling of protein sequence and biophysical properties (such as structural, functional, and spatial information, amino acid conservation, physicochemical variation, residue mobility, and thermodynamic stability) indicates that this missense variant is not expected to disrupt DMD protein function with a negative predictive value of 95%. In summary, the available evidence is currently insufficient to determine the role of this variant in disease. Therefore, it has been classified as a Variant of Uncertain Significance.

Revvity Omics, Revvity
Classification: Uncertain significance. Last evaluated: 2025-02-20. Review status: criteria provided, single submitter. Criteria: ACMG Guidelines, 2015. Collection method: clinical testing. Allele origin: germline.

Ambry Genetics
Classification: Likely benign for Cardiovascular phenotype. Last evaluated: 2024-02-21. Review status: criteria provided, single submitter. Criteria: Ambry Variant Classification Scheme 2023. Collection method: clinical testing. Allele origin: germline.

NM_004006.3(DMD):c.2912A>G (p.Asp971Gly)

Gene: DMD (dystrophin; minus strand). Cytogenetic location: Xp21.1.
Variant type: single nucleotide variant.
Coding change: c.2912A>G on transcript NM_004006.3 (MANE Select); coding-DNA position 2912, A replaced by G.
Protein change: p.Asp971Gly; replaces aspartic acid 971 with glycine.
Molecular consequence: missense variant.
Genome position (GRCh38, 1-based): chrX:32,472,201, T>C on the plus strand (A>G on the coding strand, the complement: DMD is on the minus strand). VCF-style: chrX-32472201-T-C. GRCh37 (hg19) VCF-style: chrX-32490318-T-C.
Other names: c.2888A>G, p.Asp963Gly (NM_000109.4); c.2900A>G, p.Asp967Gly (NM_004009.3); c.2543A>G, p.Asp848Gly (NM_004010.3); short protein forms D848G, D963G, D967G, D971G.
Identifiers: ClinVar variation 3223649 (VCV003223649.3), dbSNP rs762154042, ClinGen allele CA412667939.
Genomic context (GRCh38, chrX:32,472,201, plus strand): 5'-TTGACATTCAAATATTCACAGACCTGCAATTCCCCGAGTCTCTGCTCCATGATTTCATAG[T>C]CGGTGACACTAAGTTGAGGTATGGAGAGTTTGGTTTCTGACTGCTGGACCCATGTCCTGA-3'
Protein context (NP_003997.2, residues 961-981): KLSIPQLSVT[Asp971Gly]YEIMEQRLGE